The following is an entry in ClinVar:

ClinVar aggregate classification (germline): Pathogenic (1 of 4 stars; one submission).

Conditions:
Infantile-onset ascending hereditary spastic paralysis (IAHSP). Also called: Infantile-Onset Ascending Hereditary Spastic Paralysis (IAHSP); Autosomal Recessive Juvenile Amyotrophic Lateral Sclerosis. Identifiers: Orphanet 293168, MedGen C2931441, MONDO:0011797, OMIM 607225. Disease mechanism: loss of function.

Submission:

Labcorp Genetics (formerly Invitae), Labcorp
Classification: Pathogenic for Infantile-onset ascending hereditary spastic paralysis. Last evaluated: 2024-06-03. Review status: criteria provided, single submitter. Criteria: Invitae Variant Classification Sherloc (09022015). Collection method: clinical testing. Allele origin: germline.
Comment: This sequence change creates a premature translational stop signal (p.Gln154*) in the ALS2 gene. It is expected to result in an absent or disrupted protein product. Loss-of-function variants in ALS2 are known to be pathogenic (PMID: 11586298, 24315819). This variant is not present in population databases (gnomAD no frequency). This variant has not been reported in the literature in individuals affected with ALS2-related conditions. For these reasons, this variant has been classified as Pathogenic.

Literature cited by the submitters: PubMed 11586298; PubMed 24315819.

NM_020919.4(ALS2):c.460C>T (p.Gln154Ter)

Gene: ALS2 (alsin Rho guanine nucleotide exchange factor ALS2; minus strand). Cytogenetic location: 2q33.1.
Variant type: single nucleotide variant.
Coding change: c.460C>T on transcript NM_020919.4 (MANE Select); coding-DNA position 460, C replaced by T.
Protein change: p.Gln154Ter; replaces glutamine 154 with a stop codon.
Molecular consequence: nonsense.
Genome position (GRCh38, 1-based): chr2:201,761,534, G>A on the plus strand (C>T on the coding strand, the complement: ALS2 is on the minus strand). VCF-style: chr2-201761534-G-A. GRCh37 (hg19) VCF-style: chr2-202626257-G-A.
Other names: c.460C>T, p.Gln154Ter (NM_001135745.2, NM_001410975.1); short protein forms Q154*.
Identifiers: ClinVar variation 2808755 (VCV002808755.3), dbSNP rs2469917312, ClinGen allele CA350328807.